The following is an entry in ClinVar:

ClinVar aggregate classification (germline): Uncertain significance (1 of 4 stars; one submission).

Allele frequency attached by ClinVar (database versions not stated): gnomAD exomes below 0.00001; ExAC 0.00001; gnomAD 0.00001; TOPMed 0.00005.
gnomAD v4.1: 5 of 1,614,054 alleles (0.00031%); highest among the groups gnomAD compares: Admixed American, 0.005%; no homozygotes.

Submission:

Labcorp Genetics (formerly Invitae), Labcorp
Classification: Uncertain significance. Last evaluated: 2025-12-19. Review status: criteria provided, single submitter. Criteria: Invitae Variant Classification Sherloc (09022015). Collection method: clinical testing. Allele origin: germline.
Comment: This sequence change replaces serine, which is neutral and polar, with phenylalanine, which is neutral and non-polar, at codon 2360 of the IGSF10 protein (p.Ser2360Phe). This variant is present in population databases (rs200006847, gnomAD 0.003%). This variant has not been reported in the literature in individuals affected with IGSF10-related conditions. ClinVar contains an entry for this variant (Variation ID: 1476462). An algorithm developed to predict the effect of missense changes on protein structure and function (PolyPhen-2) suggests that this variant is likely to be disruptive. In summary, the available evidence is currently insufficient to determine the role of this variant in disease. Therefore, it has been classified as a Variant of Uncertain Significance.

NM_178822.5(IGSF10):c.7079C>T (p.Ser2360Phe)

Gene: IGSF10 (immunoglobulin superfamily member 10; minus strand). Cytogenetic location: 3q25.1.
Variant type: single nucleotide variant.
Coding change: c.7079C>T on transcript NM_178822.5 (MANE Select); coding-DNA position 7079, C replaced by T.
Protein change: p.Ser2360Phe; replaces serine 2360 with phenylalanine.
Molecular consequence: missense variant.
Genome position (GRCh38, 1-based): chr3:151,437,482, G>A on the plus strand (C>T on the coding strand, the complement: IGSF10 is on the minus strand). VCF-style: chr3-151437482-G-A. GRCh37 (hg19) VCF-style: chr3-151155270-G-A.
Other names: c.1016C>T, p.Ser339Phe (NM_001178145.3, NM_001178146.3); c.7079C>T, p.Ser2360Phe (NM_001385060.1, NM_001385061.1, NM_001385062.1 and 1 more transcripts); short protein forms S2360F, S339F.
Identifiers: ClinVar variation 1476462 (VCV001476462.6), dbSNP rs200006847, ClinGen allele CA2669381.
Genomic context (GRCh38, chr3:151,437,482, plus strand): 5'-GAAAATCGTGTGCCATTTGGTAAAATCCAGATTATTTCAGGTGGTGGGTTACCATCAACA[G>A]AGCAATTCAATGCTGTGGACTTTCCCAGCTGGGCAACTATTTTTTCATTAAATGGATTTC-3'
Protein context (NP_849144.2, residues 2350-2370): QLGKSTALNC[Ser2360Phe]VDGNPPPEII